The following is an entry in ClinVar:

NM_004006.3(DMD):c.10099G>T (p.Glu3367Ter)

Gene: DMD (dystrophin; minus strand). Cytogenetic location: Xp21.2.
Variant type: single nucleotide variant.
Coding change: c.10099G>T on transcript NM_004006.3 (MANE Select); coding-DNA position 10099, G replaced by T.
Protein change: p.Glu3367Ter; replaces glutamic acid 3367 with a stop codon.
Molecular consequence: nonsense.
Genome position (GRCh38, 1-based): chrX:31,178,793, C>A on the plus strand (G>T on the coding strand, the complement: DMD is on the minus strand). VCF-style: chrX-31178793-C-A. GRCh37 (hg19) VCF-style: chrX-31196910-C-A.
Other names: c.10075G>T, p.Glu3359Ter (NM_000109.4); c.895G>T, p.Glu299Ter (NM_004017.3, NM_004018.3, NM_004019.3 and 2 more transcripts); c.2719G>T, p.Glu907Ter (NM_004020.4, NM_004021.3, NM_004022.3 and 2 more transcripts); c.10087G>T, p.Glu3363Ter (NM_004009.3); c.9730G>T, p.Glu3244Ter (NM_004010.3); c.6076G>T, p.Glu2026Ter (NM_004011.4); c.6067G>T, p.Glu2023Ter (NM_004012.4); c.1912G>T, p.Glu638Ter (NM_004014.3); short protein forms E2023*, E2026*, E299*, E3244*, E3359*, E3363*, E3367*, E638*.
Identifiers: ClinVar variation 4815295 (VCV004815295.1).

ClinVar aggregate classification (germline): Likely pathogenic (1 of 4 stars; one submission).

Conditions:
Becker muscular dystrophy, Cardiomyopathy, Duchenne muscular dystrophy, Dystrophin deficiency.

Submission:

Natera, Inc.
Classification: Likely pathogenic for Becker muscular dystrophy, Cardiomyopathy, Duchenne muscular dystrophy, Dystrophin deficiency. Last evaluated: 2025-11-18. Review status: criteria provided, single submitter. Criteria: Natera Variant Classification Schema (03/2026). Collection method: clinical testing. Allele origin: germline.
Comment: The c.10099G>T variant in DMD is a nonsense variant predicted to introduce a stop codon at amino acid 3367. This variant is expected to result in nonsense mediated decay, truncation, or a dysfunctional protein product. This variant is rare in the general population with a frequency below the threshold expected for the associated phenotype(s). Given the available evidence, this variant is classified as Likely Pathogenic.